The following is an entry in ClinVar:

ClinVar aggregate classification (germline): Pathogenic (1 of 4 stars; one submission).

Conditions:
Retinitis pigmentosa 12 (RP12). Also called: RP WITH OR WITHOUT PPRPE; RP WITH OR WITHOUT PRESERVED PARAARTERIOLE RETINAL PIGMENT EPITHELIUM; RETINITIS PIGMENTOSA WITH OR WITHOUT PARAARTERIOLAR PRESERVATION OF RETINAL PIGMENT EPITHELIUM. Identifiers: Orphanet 791, MedGen C1838647, MONDO:0010818, OMIM 600105.
Leber congenital amaurosis 8 (LCA8). Identifiers: Orphanet 65, MedGen C3151202, MONDO:0013453, OMIM 613835.

Submission:

Labcorp Genetics (formerly Invitae), Labcorp
Classification: Pathogenic for Leber congenital amaurosis 8; Retinitis pigmentosa 12. Last evaluated: 2023-12-13. Review status: criteria provided, single submitter. Criteria: Invitae Variant Classification Sherloc (09022015). Collection method: clinical testing. Allele origin: germline.
Comment: This sequence change creates a premature translational stop signal (p.Arg744Serfs*50) in the CRB1 gene. It is expected to result in an absent or disrupted protein product. Loss-of-function variants in CRB1 are known to be pathogenic (PMID: 10508521, 22065545, 23379534, 25412400, 26957898, 28041643, 29391521). This variant is not present in population databases (gnomAD no frequency). This variant has not been reported in the literature in individuals affected with CRB1-related conditions. ClinVar contains an entry for this variant (Variation ID: 953654). For these reasons, this variant has been classified as Pathogenic.

Literature cited by the submitters: PubMed 10508521; PubMed 22065545; PubMed 23379534; PubMed 25412400; PubMed 26957898; PubMed 28041643; PubMed 29391521.

NM_201253.3(CRB1):c.2229_2230insTCCATGTTGAAGC (p.Arg744fs)

Gene: CRB1 (crumbs cell polarity complex component 1; plus strand). Cytogenetic location: 1q31.3.
Variant type: Insertion.
Coding change: c.2229_2230insTCCATGTTGAAGC on transcript NM_201253.3 (MANE Select); coding-DNA positions 2229 to 2230, TCCATGTTGAAGC inserted.
Protein change: p.Arg744fs; shifts the reading frame from arginine 744.
Molecular consequence: frameshift variant. On other transcripts: non-coding transcript variant (2), intron variant (1).
Genome position: GRCh38 VCF-style: chr1-197427553-T-TCTCCATGTTGAAG. GRCh37 (hg19) VCF-style: chr1-197396683-T-TCTCCATGTTGAAG.
Other names: c.1893_1894insTCCATGTTGAAGC, p.Arg632fs (NM_001193640.2); c.2022_2023insTCCATGTTGAAGC, p.Arg675fs (NM_001257965.2); c.2128+5598_2128+5599insTCCATGTTGAAGC (NM_001257966.2); short protein forms R632fs, R675fs, R744fs.
Identifiers: ClinVar variation 953654 (VCV000953654.7), dbSNP rs1664650245, ClinGen allele CA1139656488.